The following is an entry in ClinVar:

ClinVar aggregate classification (germline): Uncertain significance. Review status: criteria provided, multiple submitters, no conflicts (2 of 4 stars). 6 submissions from 6 submitters: Uncertain significance (6). Last evaluated 2025-10-30.

Conditions:
Ataxia-telangiectasia-like disorder (ATLD). Identifiers: MedGen C1858391, MONDO:0011457.
Hereditary cancer-predisposing syndrome. Also called: Tumor predisposition; Hereditary Cancer Syndrome; Hereditary neoplastic syndrome; Neoplastic Syndromes, Hereditary. Identifiers: Orphanet 140162, MedGen C0027672, MeSH D009386, MONDO:0015356.
Ataxia-telangiectasia-like disorder 1 (ATLD1). Identifiers: Orphanet 251347, MedGen C4012790, MONDO:0024557, OMIM 604391.

Allele frequency attached by ClinVar (database versions not stated): ExAC 0.00002; gnomAD exomes 0.00003; TOPMed 0.00004; gnomAD 0.00006; ESP Exome Variant Server 0.00008.
gnomAD v4.1: 57 of 1,613,856 alleles (0.0035%); highest among the groups gnomAD compares: East Asian, 0.016%; no homozygotes.

Submissions (6):

Mayo Clinic Laboratories, Mayo Clinic
Classification: Uncertain significance. Last evaluated: 2025-10-30. Review status: criteria provided, single submitter. Criteria: ACMG Guidelines, 2015. Collection method: clinical testing. Allele origin: germline. Observed: 1 variant allele.

Ambry Genetics
Classification: Uncertain significance for Hereditary cancer-predisposing syndrome. Last evaluated: 2025-10-28. Review status: criteria provided, single submitter. Criteria: Ambry Variant Classification Scheme 2023. Collection method: clinical testing. Allele origin: germline.
Comment: The p.R488H variant (also known as c.1463G>A), located in coding exon 12 of the MRE11A gene, results from a G to A substitution at nucleotide position 1463. The arginine at codon 488 is replaced by histidine, an amino acid with highly similar properties. This amino acid position is highly conserved in available vertebrate species. In addition, the in silico prediction for this alteration is inconclusive. Since supporting evidence is limited at this time, the clinical significance of this alteration remains unclear.

Quest Diagnostics Nichols Institute San Juan Capistrano
Classification: Uncertain significance. Last evaluated: 2025-09-04. Review status: criteria provided, single submitter. Criteria: Quest Diagnostics criteria. Collection method: clinical testing. Allele origin: unknown.

Labcorp Genetics (formerly Invitae), Labcorp
Classification: Uncertain significance for Ataxia-telangiectasia-like disorder. Last evaluated: 2025-07-08. Review status: criteria provided, single submitter. Criteria: Invitae Variant Classification Sherloc (09022015). Collection method: clinical testing. Allele origin: germline.
Comment: This sequence change replaces arginine, which is basic and polar, with histidine, which is basic and polar, at codon 488 of the MRE11 protein (p.Arg488His). This variant is present in population databases (rs145377856, gnomAD 0.01%). This variant has not been reported in the literature in individuals affected with MRE11-related conditions. ClinVar contains an entry for this variant (Variation ID: 184056). An algorithm developed to predict the effect of missense changes on protein structure and function (PolyPhen-2) suggests that this variant is likely to be tolerated. In summary, the available evidence is currently insufficient to determine the role of this variant in disease. Therefore, it has been classified as a Variant of Uncertain Significance.

Baylor Genetics
Classification: Uncertain significance for Ataxia-telangiectasia-like disorder 1. Last evaluated: 2023-10-11. Review status: criteria provided, single submitter. Criteria: ACMG Guidelines, 2015. Collection method: clinical testing. Allele origin: unknown.

Illumina Laboratory Services, Illumina
Classification: Uncertain significance for Ataxia-telangiectasia-like disorder 1. Last evaluated: 2018-01-12. Review status: criteria provided, single submitter. Criteria: ICSL Variant Classification Criteria 13 December 2019. Collection method: clinical testing. Allele origin: germline.

NM_005591.4(MRE11):c.1463G>A (p.Arg488His)

Gene: MRE11 (MRE11 double strand break repair nuclease; minus strand). Cytogenetic location: 11q21.
Variant type: single nucleotide variant.
Coding change: c.1463G>A on transcript NM_005591.4 (MANE Select); coding-DNA position 1463, G replaced by A.
Protein change: p.Arg488His; replaces arginine 488 with histidine.
Molecular consequence: missense variant.
Genome position (GRCh38, 1-based): chr11:94,459,445, C>T on the plus strand (G>A on the coding strand, the complement: MRE11 is on the minus strand). VCF-style: chr11-94459445-C-T. GRCh37 (hg19) VCF-style: chr11-94192611-C-T.
Other names: p.Arg488His; c.1463G>A, p.Arg488His (NM_001330347.2, NM_005590.4); short protein forms R488H.
Identifiers: ClinVar variation 184056 (VCV000184056.21), dbSNP rs145377856, ClinGen allele CA187648.